The following is an entry in ClinVar:

NM_000051.4(ATM):c.7162C>G (p.Leu2388Val)

Genes: ATM (ATM serine/threonine kinase; plus strand), C11orf65 (chromosome 11 open reading frame 65; minus strand). Cytogenetic location: 11q22.3.
Variant type: single nucleotide variant.
Coding change: c.7162C>G on transcript NM_000051.4 (MANE Select); coding-DNA position 7162, C replaced by G.
Protein change: p.Leu2388Val; replaces leucine 2388 with valine.
Molecular consequence: missense variant. On other transcripts: intron variant (2).
Genome position (GRCh38, 1-based): chr11:108,329,093, C>G. VCF-style: chr11-108329093-C-G. GRCh37 (hg19) VCF-style: chr11-108199820-C-G.
Other names: c.7162C>G, p.Leu2388Val (NM_001351834.2); c.641-20022G>C (NM_001330368.2); c.*38+6127G>C (NM_001351110.2); short protein forms L2388V.
Identifiers: ClinVar variation 3659971 (VCV003659971.2).

ClinVar aggregate classification (germline): Uncertain significance (1 of 4 stars; one submission).

Conditions:
Ataxia-telangiectasia syndrome (AT). Also called: Ataxia-telangiectasia, complementation group D; AT, COMPLEMENTATION GROUP C; ATAXIA-TELANGIECTASIA, COMPLEMENTATION GROUP A; ATAXIA-TELANGIECTASIA, FRESNO VARIANT; Ataxia-telangiectasia; Ataxia-telangiectasia, complementation group E. Identifiers: Orphanet 100, MedGen C0004135, MONDO:0008840, OMIM 208900.

Submission:

Labcorp Genetics (formerly Invitae), Labcorp
Classification: Uncertain significance for Ataxia-telangiectasia syndrome. Last evaluated: 2024-07-19. Review status: criteria provided, single submitter. Criteria: Invitae Variant Classification Sherloc (09022015). Collection method: clinical testing. Allele origin: germline.
Comment: This sequence change replaces leucine, which is neutral and non-polar, with valine, which is neutral and non-polar, at codon 2388 of the ATM protein (p.Leu2388Val). This variant is not present in population databases (gnomAD no frequency). This variant has not been reported in the literature in individuals affected with ATM-related conditions. An algorithm developed to predict the effect of missense changes on protein structure and function (PolyPhen-2) suggests that this variant is likely to be disruptive. In summary, the available evidence is currently insufficient to determine the role of this variant in disease. Therefore, it has been classified as a Variant of Uncertain Significance.